The following is an entry in ClinVar:

ClinVar aggregate classification (germline): Uncertain significance (1 of 4 stars; one submission).

Conditions:
Cryopyrin associated periodic syndrome (CAPS). Identifiers: Orphanet 208650, MedGen C2316212, MONDO:0016168.

Submission:

Labcorp Genetics (formerly Invitae), Labcorp
Classification: Uncertain significance for Cryopyrin associated periodic syndrome. Last evaluated: 2026-01-27. Review status: criteria provided, single submitter. Criteria: Invitae Variant Classification Sherloc (09022015). Collection method: clinical testing. Allele origin: germline.
Comment: This sequence change replaces isoleucine, which is neutral and non-polar, with leucine, which is neutral and non-polar, at codon 929 of the NLRP3 protein (p.Ile929Leu). This variant is not present in population databases (gnomAD no frequency). This variant has not been reported in the literature in individuals affected with NLRP3-related conditions. Invitae Evidence Modeling of protein sequence and biophysical properties (such as structural, functional, and spatial information, amino acid conservation, physicochemical variation, residue mobility, and thermodynamic stability) indicates that this missense variant is not expected to disrupt NLRP3 protein function with a negative predictive value of 95%. In summary, the available evidence is currently insufficient to determine the role of this variant in disease. Therefore, it has been classified as a Variant of Uncertain Significance.

NM_001243133.2(NLRP3):c.2779A>C (p.Ile927Leu)

Gene: NLRP3 (NLR family pyrin domain containing 3; plus strand). Cytogenetic location: 1q44.
Variant type: single nucleotide variant.
Coding change: c.2779A>C on transcript NM_001243133.2 (MANE Select); coding-DNA position 2779, A replaced by C.
Protein change: p.Ile927Leu; replaces isoleucine 927 with leucine.
Molecular consequence: missense variant.
Genome position (GRCh38, 1-based): chr1:247,444,087, A>C. VCF-style: chr1-247444087-A-C. GRCh37 (hg19) VCF-style: chr1-247607389-A-C.
Other names: c.2779A>C, p.Ile927Leu (NM_001079821.3); c.2608A>C, p.Ile870Leu (NM_001127461.3, NM_001127462.3); c.2785A>C, p.Ile929Leu (NM_004895.5); c.2437A>C, p.Ile813Leu (NM_183395.3); short protein forms I813L, I870L, I927L, I929L.
Identifiers: ClinVar variation 4800154 (VCV004800154.1).